The following is an entry in ClinVar:

ClinVar aggregate classification (germline): Uncertain significance (1 of 4 stars; one submission).

Conditions:
Hereditary cancer-predisposing syndrome. Also called: Neoplastic Syndromes, Hereditary; Tumor predisposition; Hereditary Cancer Syndrome; Hereditary neoplastic syndrome. Identifiers: Orphanet 140162, MedGen C0027672, MeSH D009386, MONDO:0015356.

Allele frequency attached by ClinVar (database versions not stated): ExAC 0.00001; gnomAD 0.00001; TOPMed 0.00002.
gnomAD v4.1: 1 of 1,613,710 alleles (0.000062%); highest among the groups gnomAD compares: East Asian, 0.0022%; no homozygotes.

Submission:

Ambry Genetics
Classification: Uncertain significance for Hereditary cancer-predisposing syndrome. Last evaluated: 2022-01-10. Review status: criteria provided, single submitter. Criteria: Ambry Variant Classification Scheme 2023. Collection method: clinical testing. Allele origin: germline.
Comment: The p.D212A variant (also known as c.635A>C), located in coding exon 6 of the SDHA gene, results from an A to C substitution at nucleotide position 635. The aspartic acid at codon 212 is replaced by alanine, an amino acid with dissimilar properties. This amino acid position is conserved. In addition, this alteration is predicted to be deleterious by in silico analysis. Since supporting evidence is limited at this time, the clinical significance of this alteration remains unclear.

NM_004168.4(SDHA):c.635A>C (p.Asp212Ala)

Gene: SDHA (succinate dehydrogenase complex flavoprotein subunit A; plus strand). Cytogenetic location: 5p15.33.
Variant type: single nucleotide variant.
Coding change: c.635A>C on transcript NM_004168.4 (MANE Select); coding-DNA position 635, A replaced by C.
Protein change: p.Asp212Ala; replaces aspartic acid 212 with alanine.
Molecular consequence: missense variant.
Genome position (GRCh38, 1-based): chr5:228,198, A>C. VCF-style: chr5-228198-A-C. GRCh37 (hg19) VCF-style: chr5-228313-A-C.
Other names: c.491A>C, p.Asp164Ala (NM_001294332.2); c.635A>C, p.Asp212Ala (NM_001330758.2); short protein forms D164A, D212A.
Identifiers: ClinVar variation 1753032 (VCV001753032.2), dbSNP rs750531440, ClinGen allele CA3172929.